The following is an entry in ClinVar:

ClinVar aggregate classification (germline): Uncertain significance. Review status: criteria provided, multiple submitters, no conflicts (2 of 4 stars). 3 submissions from 3 submitters: Uncertain significance (3). Last evaluated 2024-10-19.

Conditions:
Inborn genetic diseases. Identifiers: MedGen C0950123, MeSH D030342.

Allele frequency attached by ClinVar (database versions not stated): gnomAD 0.00004; gnomAD exomes 0.00004 and 0.00006; TOPMed 0.00005; ExAC 0.00006.
gnomAD v4.1: 67 of 1,611,998 alleles (0.0042%); highest among the groups gnomAD compares: Middle Eastern, 0.066%; no homozygotes.

Submissions (3):

Ambry Genetics
Classification: Uncertain significance for Inborn genetic diseases. Last evaluated: 2024-10-19. Review status: criteria provided, single submitter. Criteria: Ambry Variant Classification Scheme 2023. Collection method: clinical testing. Allele origin: germline.

Labcorp Genetics (formerly Invitae), Labcorp
Classification: Uncertain significance. Last evaluated: 2024-07-30. Review status: criteria provided, single submitter. Criteria: Invitae Variant Classification Sherloc (09022015). Collection method: clinical testing. Allele origin: germline.
Comment: This sequence change replaces lysine, which is basic and polar, with asparagine, which is neutral and polar, at codon 346 of the UNC45A protein (p.Lys346Asn). This variant is present in population databases (rs55975240, gnomAD 0.01%). This variant has not been reported in the literature in individuals affected with UNC45A-related conditions. ClinVar contains an entry for this variant (Variation ID: 1419209). Advanced modeling of protein sequence and biophysical properties (such as structural, functional, and spatial information, amino acid conservation, physicochemical variation, residue mobility, and thermodynamic stability) performed at Invitae indicates that this missense variant is not expected to disrupt UNC45A protein function with a negative predictive value of 80%. In summary, the available evidence is currently insufficient to determine the role of this variant in disease. Therefore, it has been classified as a Variant of Uncertain Significance.

Mayo Clinic Laboratories, Mayo Clinic
Classification: Uncertain significance. Last evaluated: 2024-07-09. Review status: criteria provided, single submitter. Criteria: ACMG Guidelines, 2015. Collection method: clinical testing. Allele origin: germline. Observed: 1 variant allele.

NM_018671.5(UNC45A):c.1038G>T (p.Lys346Asn)

Gene: UNC45A (unc-45 myosin chaperone A; plus strand). Cytogenetic location: 15q26.1.
Variant type: single nucleotide variant.
Coding change: c.1038G>T on transcript NM_018671.5 (MANE Select); coding-DNA position 1038, G replaced by T.
Protein change: p.Lys346Asn; replaces lysine 346 with asparagine.
Molecular consequence: missense variant.
Genome position (GRCh38, 1-based): chr15:90,944,902, G>T. VCF-style: chr15-90944902-G-T. GRCh37 (hg19) VCF-style: chr15-91488132-G-T.
Other names: p.Lys346Asn; c.993G>T, p.Lys331Asn (NM_001039675.2, NM_001323621.2); c.1038G>T, p.Lys346Asn (NM_001323619.1); c.603G>T, p.Lys201Asn (NM_001323620.2); c.1038G>T (NM_018671.3); short protein forms K346N, K201N, K331N.
Identifiers: ClinVar variation 1419209 (VCV001419209.7), dbSNP rs55975240, ClinGen allele CA7742765.